The following is an entry in ClinVar:

NM_021930.6(RINT1):c.1636A>T (p.Ile546Phe)

Gene: RINT1 (RAD50 interactor 1; plus strand). Cytogenetic location: 7q22.3.
Variant type: single nucleotide variant.
Coding change: c.1636A>T on transcript NM_021930.6 (MANE Select); coding-DNA position 1636, A replaced by T.
Protein change: p.Ile546Phe; replaces isoleucine 546 with phenylalanine.
Molecular consequence: missense variant.
Genome position (GRCh38, 1-based): chr7:105,555,192, A>T. VCF-style: chr7-105555192-A-T. GRCh37 (hg19) VCF-style: chr7-105195639-A-T.
Other names: c.1402A>T, p.Ile468Phe (NM_001346599.2); c.613A>T, p.Ile205Phe (NM_001346600.2, NM_001346603.2); c.712A>T, p.Ile238Phe (NM_001346601.2); short protein forms I546F, I205F, I238F, I468F.
Identifiers: ClinVar variation 1776932 (VCV001776932.2), dbSNP rs2485150239, ClinGen allele CA368811918.

ClinVar aggregate classification (germline): Uncertain significance (1 of 4 stars; one submission).

Submission:

Ambry Genetics
Classification: Uncertain significance. Last evaluated: 2024-02-05. Review status: criteria provided, single submitter. Criteria: Ambry Variant Classification Scheme 2023. Collection method: clinical testing. Allele origin: germline.
Comment: The p.I546F variant (also known as c.1636A>T), located in coding exon 11 of the RINT1 gene, results from an A to T substitution at nucleotide position 1636. The isoleucine at codon 546 is replaced by phenylalanine, an amino acid with highly similar properties. This amino acid position is highly conserved in available vertebrate species. In addition, the in silico prediction for this alteration is inconclusive. The evidence for this gene-disease relationship is limited; therefore, the clinical significance of this alteration is unclear.